The following is an entry in ClinVar:

NM_020759.3(STARD9):c.13445C>T (p.Ser4482Phe)

Gene: STARD9 (StAR related lipid transfer domain containing 9; plus strand). Cytogenetic location: 15q15.2.
Variant type: single nucleotide variant.
Coding change: c.13445C>T on transcript NM_020759.3 (MANE Select); coding-DNA position 13445, C replaced by T.
Protein change: p.Ser4482Phe; replaces serine 4482 with phenylalanine.
Molecular consequence: missense variant.
Genome position (GRCh38, 1-based): chr15:42,716,999, C>T. VCF-style: chr15-42716999-C-T. GRCh37 (hg19) VCF-style: chr15-43009197-C-T.
Other names: c.13445C>T (NM_020759.2); short protein forms S4482F.
Identifiers: ClinVar variation 2645252 (VCV002645252.25), dbSNP rs146027773, ClinGen allele CA7514986.

ClinVar aggregate classification (germline): Likely benign. Review status: criteria provided, multiple submitters, no conflicts (2 of 4 stars). 2 submissions from 2 submitters: Likely benign (2). Last evaluated 2025-10-01.

Conditions:
STARD9-related disorder. Also called: STARD9-related condition.

Allele frequency attached by ClinVar (database versions not stated): ESP Exome Variant Server 0.00066; gnomAD 0.00068; gnomAD exomes 0.00071; TOPMed 0.00071; ExAC 0.00074; 1000 Genomes Project 0.00160; 1000 Genomes Project 30x 0.00172.
gnomAD v4.1: 1,111 of 1,537,248 alleles (0.072%); highest among the groups gnomAD compares: Middle Eastern, 0.5%; 3 homozygotes.

Submissions (2):

PreventionGenetics, part of Exact Sciences
Classification: Likely benign for STARD9-related condition. Last evaluated: 2025-10-01. Review status: criteria provided, single submitter. Criteria: ACMG Guidelines, 2015. Collection method: clinical testing. Allele origin: germline.
Comment: This variant is classified as likely benign based on ACMG/AMP sequence variant interpretation guidelines (Richards et al. 2015 PMID: 25741868, with internal and published modifications).

CeGaT Center for Human Genetics Tuebingen
Classification: Likely benign. Last evaluated: 2024-09-01. Review status: criteria provided, single submitter. Criteria: CeGaT Center For Human Genetics Tuebingen Variant Classification Criteria Version 2. Collection method: clinical testing. Allele origin: germline. Affected: yes. Observed: 2 variant alleles.
Comment: STARD9: BP4